The following is an entry in ClinVar:

NM_018723.4(RBFOX1):c.232G>T (p.Ala78Ser)

Gene: RBFOX1 (RNA binding fox-1 homolog 1; plus strand). Cytogenetic location: 16p13.3.
Variant type: single nucleotide variant.
Coding change: c.232G>T on transcript NM_018723.4 (MANE Select); coding-DNA position 232, G replaced by T.
Protein change: p.Ala78Ser; replaces alanine 78 with serine.
Molecular consequence: missense variant.
Genome position (GRCh38, 1-based): chr16:7,518,351, G>T. VCF-style: chr16-7518351-G-T. GRCh37 (hg19) VCF-style: chr16-7568353-G-T.
Other names: c.232G>T, p.Ala78Ser (NM_001142333.2, NM_001142334.2, NM_001364800.2 and 1 more transcripts); c.361G>T, p.Ala121Ser (NM_001308117.1, NM_001411047.1, NM_001415891.1 and 5 more transcripts); c.829G>T, p.Ala277Ser (NM_001415887.1, NM_001415888.1); c.340G>T, p.Ala114Ser (NM_001415889.1, NM_001415892.1, NM_001415894.1 and 5 more transcripts); c.307G>T, p.Ala103Ser (NM_001415890.1, NM_001415893.1, NM_001415899.1 and 4 more transcripts); c.292G>T, p.Ala98Ser (NM_001415896.1, NM_001415904.1, NM_001415906.1 and 4 more transcripts); c.238G>T, p.Ala80Ser (NM_001415902.1, NM_001415911.1, NM_001415917.1); short protein forms A114S, A277S, A80S, A98S, A103S, A121S, A78S.
Identifiers: ClinVar variation 1998961 (VCV001998961.4), dbSNP rs2548523058, ClinGen allele CA394796695.

ClinVar aggregate classification (germline): Uncertain significance (1 of 4 stars; one submission).

Conditions:
Idiopathic generalized epilepsy. Also called: Generalised epilepsy; EIG. Identifiers: MedGen C0270850, MONDO:0005579, OMIM 600669.

gnomAD v4.1: 2 of 1,613,356 alleles (0.00012%); highest among the groups gnomAD compares: African/African-American, 0.0027%; no homozygotes.

Submission:

Labcorp Genetics (formerly Invitae), Labcorp
Classification: Uncertain significance for Idiopathic generalized epilepsy. Last evaluated: 2022-05-25. Review status: criteria provided, single submitter. Criteria: Invitae Variant Classification Sherloc (09022015). Collection method: clinical testing. Allele origin: germline.
Comment: In summary, the available evidence is currently insufficient to determine the role of this variant in disease. Therefore, it has been classified as a Variant of Uncertain Significance. Algorithms developed to predict the effect of missense changes on protein structure and function (SIFT, PolyPhen-2, Align-GVGD) all suggest that this variant is likely to be tolerated. This variant has not been reported in the literature in individuals affected with RBFOX1-related conditions. This variant is not present in population databases (gnomAD no frequency). This sequence change replaces alanine, which is neutral and non-polar, with serine, which is neutral and polar, at codon 98 of the RBFOX1 protein (p.Ala98Ser).